The following is an entry in ClinVar:

NM_000059.4(BRCA2):c.5675G>A (p.Gly1892Asp)

Gene: BRCA2 (BRCA2 DNA repair associated; plus strand). Cytogenetic location: 13q13.1.
Variant type: single nucleotide variant.
Coding change: c.5675G>A on transcript NM_000059.4 (MANE Select); coding-DNA position 5675, G replaced by A.
Protein change: p.Gly1892Asp; replaces glycine 1892 with aspartic acid.
Molecular consequence: missense variant.
Genome position (GRCh38, 1-based): chr13:32,340,030, G>A. VCF-style: chr13-32340030-G-A. GRCh37 (hg19) VCF-style: chr13-32914167-G-A.
Other names: short protein forms G1892D.
Identifiers: ClinVar variation 188102 (VCV000188102.20), dbSNP rs786204067, ClinGen allele CA022943.
Genomic context (GRCh38, chr13:32,340,030, plus strand): 5'-AAGTAATTAAGGAAAACAACGAGAATAAATCAAAAATTTGCCAAACGAAAATTATGGCAG[G>A]TTGTTACGAGGCATTGGATGATTCAGAGGATATTCTTCATAACTCTCTAGATAATGATGA-3'
Protein context (NP_000050.3, residues 1882-1902): SKICQTKIMA[Gly1892Asp]CYEALDDSED

ClinVar aggregate classification (germline): Conflicting classifications of pathogenicity. Review status: criteria provided, conflicting classifications (1 of 4 stars). 4 submissions from 4 submitters: Uncertain significance (3); Likely benign (1). Last evaluated 2023-06-28.

Conditions:
Hereditary cancer-predisposing syndrome. Also called: Neoplastic Syndromes, Hereditary; Tumor predisposition; Hereditary Cancer Syndrome; Hereditary neoplastic syndrome. Identifiers: Orphanet 140162, MedGen C0027672, MeSH D009386, MONDO:0015356.
Hereditary breast ovarian cancer syndrome. Also called: Hereditary breast and ovarian cancer; Hereditary breast and/or ovarian cancer syndrome; BRCA1- and BRCA2-Associated Hereditary Breast and Ovarian Cancer; Hereditary breast and ovarian cancer syndrome (HBOC); Hereditary breast and ovarian cancer syndrome; Breast and ovarian cancer. Identifiers: Orphanet 145, MedGen C0677776, MeSH D061325, MONDO:0003582. Disease mechanism: loss of function.

Allele frequency attached by ClinVar (database versions not stated): gnomAD exomes below 0.00001.
gnomAD v4.1: 2 of 1,613,506 alleles (0.00012%); highest among the groups gnomAD compares: Non-Finnish European, 0.00017%; no homozygotes.

Submissions (4):

Labcorp Genetics (formerly Invitae), Labcorp
Classification: Uncertain significance for Hereditary breast ovarian cancer syndrome. Last evaluated: 2023-06-28. Review status: criteria provided, single submitter. Criteria: Invitae Variant Classification Sherloc (09022015). Collection method: clinical testing. Allele origin: germline.
Comment: Advanced modeling of protein sequence and biophysical properties (such as structural, functional, and spatial information, amino acid conservation, physicochemical variation, residue mobility, and thermodynamic stability) performed at Invitae indicates that this missense variant is not expected to disrupt BRCA2 protein function. ClinVar contains an entry for this variant (Variation ID: 188102). This variant has not been reported in the literature in individuals affected with BRCA2-related conditions. This variant is not present in population databases (gnomAD no frequency). This sequence change replaces glycine, which is neutral and non-polar, with aspartic acid, which is acidic and polar, at codon 1892 of the BRCA2 protein (p.Gly1892Asp). In summary, the available evidence is currently insufficient to determine the role of this variant in disease. Therefore, it has been classified as a Variant of Uncertain Significance.

Ambry Genetics
Classification: Uncertain significance for Hereditary cancer-predisposing syndrome. Last evaluated: 2023-05-26. Review status: criteria provided, single submitter. Criteria: Ambry Variant Classification Scheme 2023. Collection method: clinical testing. Allele origin: germline.
Comment: The p.G1892D variant (also known as c.5675G>A), located in coding exon 10 of the BRCA2 gene, results from a G to A substitution at nucleotide position 5675. The glycine at codon 1892 is replaced by aspartic acid, an amino acid with similar properties. This variant was reported in 0/60,466 breast cancer cases and in 1/53,461 controls (Dorling et al. N Engl J Med. 2021 02;384:428-439). This amino acid position is not well conserved in available vertebrate species. In addition, this alteration is predicted to be tolerated by in silico analysis. Since supporting evidence is limited at this time, the clinical significance of this alteration remains unclear.

University of Washington Department of Laboratory Medicine, University of Washington
Classification: Likely benign for Hereditary cancer-predisposing syndrome. Last evaluated: 2023-03-23. Review status: criteria provided, single submitter. Criteria: Dines et al. (Genet Med. 2020). Collection method: curation. Allele origin: germline.
Comment: Missense variant in a coldspot region where missense variants are very unlikely to be pathogenic (PMID:31911673).

BRCA2 exon 11 coldspot. Reclassification based on statistical prior probability.

Color Diagnostics, LLC DBA Color Health
Classification: Uncertain significance for Hereditary cancer-predisposing syndrome. Last evaluated: 2022-11-22. Review status: criteria provided, single submitter. Criteria: ACMG Guidelines, 2015. Collection method: clinical testing. Allele origin: germline.
Comment: This missense variant replaces glycine with aspartic acid at codon 1892 of the BRCA2 protein. Computational prediction suggests that this variant may not impact protein structure and function (internally defined REVEL score threshold <= 0.5, PMID: 27666373). To our knowledge, functional studies have not been reported for this variant. This variant has been detected in a breast cancer case-control meta-analysis in 0/60466 cases and 1/53461 unaffected individuals (PMID: 33471991; Leiden Open Variation Database DB-ID BRCA2_008359). This variant has not been identified in the general population by the Genome Aggregation Database (gnomAD). The available evidence is insufficient to determine the role of this variant in disease conclusively. Therefore, this variant is classified as a Variant of Uncertain Significance.

Literature cited by the submitters: PubMed 33471991 (cited by Ambry Genetics and Color Diagnostics, LLC DBA Color Health).